The following is an entry in ClinVar:

ClinVar aggregate classification (germline): Uncertain significance (1 of 4 stars; one submission).

Conditions:
Holoprosencephaly 3 (HPE3). Identifiers: Orphanet 2162, MedGen C1840529, MONDO:0007733, OMIM 142945.

Submission:

Labcorp Genetics (formerly Invitae), Labcorp
Classification: Uncertain significance for Holoprosencephaly 3. Last evaluated: 2017-01-31. Review status: criteria provided, single submitter. Criteria: Invitae Variant Classification Sherloc (09022015). Collection method: clinical testing. Allele origin: germline.
Comment: In summary, this is a novel in-frame deletion with uncertain impact on protein function. It has been classified as a Variant of Uncertain Significance. Experimental studies and prediction algorithms are not available for this variant, and the functional significance of the deleted amino acid is currently unknown. This variant is not present in population databases (ExAC no frequency) and has not been reported in the literature in individuals with an SHH-related disease. This sequence change deletes 3 nucleotides from exon 3 of the SHH mRNA (c.643_645delGTG). This leads to the deletion of 1 amino acid residue in the SHH protein (p.Val215del) but otherwise preserves the integrity of the reading frame.

NM_000193.4(SHH):c.643_645del (p.Val215del)

Gene: SHH (sonic hedgehog signaling molecule; minus strand). Cytogenetic location: 7q36.3.
Variant type: Deletion.
Coding change: c.643_645del on transcript NM_000193.4 (MANE Select); coding-DNA positions 643 to 645, 3 bases deleted (GTG; older notation c.643_645delGTG).
Protein change: p.Val215del; deletes valine 215.
Molecular consequence: inframe deletion. On other transcripts: intron variant (1).
Genome position (GRCh38, 1-based): chr7:155,803,644-155,803,646, CAC deleted on the plus strand (GTG on the coding strand, the reverse complement: SHH is on the minus strand); deleting any 3 consecutive bases within chr7:155,803,644-155,803,648 gives the same sequence; the c. name uses the placement nearest the transcript's 3' end. VCF-style (leftmost placement, unchanged base first): chr7-155803643-TCAC-T. GRCh37 (hg19) VCF-style: chr7-155596337-TCAC-T.
Other names: c.301+2650_301+2652del (NM_001310462.2); short protein forms V215del.
Identifiers: ClinVar variation 464838 (VCV000464838.8), dbSNP rs1554493872, ClinGen allele CA658657740.